The following is an entry in ClinVar:

ClinVar aggregate classification (germline): Pathogenic/Likely pathogenic. Review status: criteria provided, multiple submitters, no conflicts (2 of 4 stars). 2 submissions from 2 submitters: Pathogenic (1); Likely pathogenic (1). Last evaluated 2024-05-16.

Conditions:
Fanconi anemia complementation group G. Also called: Fanconi anemia group G; FANCG-Related Fanconi Anemia. Identifiers: Orphanet 84, MedGen C3469527, MONDO:0013565, OMIM 614082.
Fanconi anemia (FA). Also called: Fanconi's anemia. Identifiers: Orphanet 84, MedGen C0015625, MeSH D005199, MONDO:0019391.

Allele frequency attached by ClinVar (database versions not stated): TOPMed below 0.00001; gnomAD 0.00001.

Submissions (2):

Fulgent Genetics
Classification: Likely pathogenic for Fanconi anemia complementation group G. Last evaluated: 2024-05-16. Review status: criteria provided, single submitter. Criteria: ACMG Guidelines, 2015. Collection method: clinical testing. Allele origin: germline.

Labcorp Genetics (formerly Invitae), Labcorp
Classification: Pathogenic for Fanconi anemia. Last evaluated: 2023-09-14. Review status: criteria provided, single submitter. Criteria: Invitae Variant Classification Sherloc (09022015). Collection method: clinical testing. Allele origin: germline.
Comment: For these reasons, this variant has been classified as Pathogenic. This variant has not been reported in the literature in individuals affected with FANCG-related conditions. This variant is not present in population databases (gnomAD no frequency). This sequence change creates a premature translational stop signal (p.Leu229*) in the FANCG gene. It is expected to result in an absent or disrupted protein product. Loss-of-function variants in FANCG are known to be pathogenic (PMID: 12552564).

Literature cited by the submitters: PubMed 12552564 (cited by Labcorp Genetics (formerly Invitae), Labcorp).

NM_004629.2(FANCG):c.684del (p.Ala228_Leu229insTer)

Gene: FANCG (FA complementation group G; minus strand). Cytogenetic location: 9p13.3.
Variant type: Deletion.
Coding change: c.684del on transcript NM_004629.2 (MANE Select); coding-DNA position 684, one base deleted (A; older notation c.684delA).
Protein change: p.Ala228_Leu229insTer.
Molecular consequence: frameshift variant.
Genome position (GRCh38, 1-based): chr9:35,077,064, T deleted on the plus strand (A on the coding strand, the reverse complement: FANCG is on the minus strand). VCF-style (leftmost placement, unchanged base first): chr9-35077063-GT-G. GRCh37 (hg19) VCF-style: chr9-35077060-GT-G.
Identifiers: ClinVar variation 2760581 (VCV002760581.4), dbSNP rs1478768927, ClinGen allele CA863525245.